The following is an entry in ClinVar:

ClinVar aggregate classification (germline): Pathogenic (1 of 4 stars; one submission).

Submission:

Illumina Laboratory Services, Illumina
Classification: Pathogenic. Last evaluated: 2019-02-20. Review status: criteria provided, single submitter. Criteria: ICSL CNVClassificationCriteria Jul2020Prior. Collection method: clinical testing. Allele origin: unknown.
Comment: This CNV is a 17.2 Mb duplication of 10q25.3-qter, on chromosome 10, (seq[GRCh37]dup(10)(q25.3q26.3); chr10:g.118247181_135435319dup) and constitutes a gain encompassing at least 108 genes. This CNV overlaps the 10q terminal region and was observed in a de novo state. Duplication of the terminal 10q region has been reported in the literature and is estimated to be rare (Masri et al. 2014; Wong et al. 2015; Liu et al. 2016). The CNV is usually found in a de novo state and as part of an unbalanced translocation (Masri et al. 2014; Wong et al. 2015; Liu et al. 2016). Common features of the syndrome associated with 10q terminal deletions include developmental delay, hypotonia, intellectual disability, distinct craniofacial features and facial dysmorphisms. Additional features in some patients include language barrier and supernumerary nipples. This CNV has not been reported in controls. Based on the collective evidence, this CNV is classified as pathogenic.

Literature cited by the submitters: PubMed 24478242; PubMed 26088875; PubMed 27099631.

GRCh37/hg19 10q25.3-26.3(chr10:118247181-135435319)x3

Genes: LINC01166 (long intergenic non-protein coding RNA 1166; minus strand), MTG1 (mitochondrial ribosome associated GTPase 1; plus strand), NANOS1 (nanos C2HC-type zinc finger 1; plus strand), NKX1-2 (NK1 homeobox 2; minus strand), NSMCE4A (NSE4 homolog A, SMC5-SMC6 complex component; minus strand) and 107 more. Cytogenetic location: 10q25.3-26.3.
Variant type: copy number gain.
Change: copy number 3 (three copies instead of two) of chr10:118,247,181-135,435,319 (17.19 Mb, GRCh37 coordinates, 1-based), cytogenetic band 10q25.3-26.3.
Identifiers: ClinVar variation 1180521 (VCV001180521.4).